The following is an entry in ClinVar:

ClinVar aggregate classification (germline): Likely benign. Review status: criteria provided, multiple submitters, no conflicts (2 of 4 stars). 2 submissions from 2 submitters: Likely benign (2). Last evaluated 2026-02-18.

Conditions:
Autosomal recessive polycystic kidney disease (ARPKD). Also called: AR polycystic kidney disease. Identifiers: Orphanet 731, Orphanet 8378, MedGen C0085548, MeSH D017044, MONDO:0009889.
PKHD1-related disorder. Also called: PKHD1-related condition.

gnomAD v4.1: 2 of 1,614,106 alleles (0.00012%); highest among the groups gnomAD compares: East Asian, 0.0022%; no homozygotes.

Submissions (2):

PreventionGenetics, part of Exact Sciences
Classification: Likely benign for PKHD1-related condition. Last evaluated: 2026-02-18. Review status: criteria provided, single submitter. Criteria: ACMG Guidelines, 2015. Collection method: clinical testing. Allele origin: germline.
Comment: This variant is classified as likely benign based on ACMG/AMP sequence variant interpretation guidelines (Richards et al. 2015 PMID: 25741868, with internal and published modifications).

Labcorp Genetics (formerly Invitae), Labcorp
Classification: Likely benign for Autosomal recessive polycystic kidney disease. Last evaluated: 2026-01-09. Review status: criteria provided, single submitter. Criteria: Invitae Variant Classification Sherloc (09022015). Collection method: clinical testing. Allele origin: germline.

NM_138694.4(PKHD1):c.3804C>A (p.Ala1268=)

Gene: PKHD1 (PKHD1 ciliary IPT domain containing fibrocystin/polyductin; minus strand). Cytogenetic location: 6p12.2.
Variant type: single nucleotide variant.
Coding change: c.3804C>A on transcript NM_138694.4 (MANE Select); coding-DNA position 3804, C replaced by A.
Protein change: p.Ala1268=; no amino-acid change (alanine 1268 retained).
Molecular consequence: synonymous variant.
Genome position (GRCh38, 1-based): chr6:52,026,006, G>T on the plus strand (C>A on the coding strand, the complement: PKHD1 is on the minus strand). VCF-style: chr6-52026006-G-T. GRCh37 (hg19) VCF-style: chr6-51890804-G-T.
Other names: c.3804C>A (NM_138694.3); c.3804C>A, p.Ala1268= (NM_170724.3).
Identifiers: ClinVar variation 2145530 (VCV002145530.5), dbSNP rs201769990, ClinGen allele CA450614929.